The following is an entry in ClinVar:

NM_001365536.1(SCN9A):c.5272G>C (p.Val1758Leu)

Genes: SCN1A-AS1 (SCN1A and SCN9A antisense RNA 1; plus strand), SCN9A (sodium voltage-gated channel alpha subunit 9; minus strand). Cytogenetic location: 2q24.3.
Variant type: single nucleotide variant.
Coding change: c.5272G>C on transcript NM_001365536.1 (MANE Select); coding-DNA position 5272, G replaced by C.
Protein change: p.Val1758Leu; replaces valine 1758 with leucine.
Molecular consequence: missense variant.
Genome position (GRCh38, 1-based): chr2:166,199,367, C>G on the plus strand (G>C on the coding strand, the complement: SCN9A is on the minus strand). VCF-style: chr2-166199367-C-G. GRCh37 (hg19) VCF-style: chr2-167055877-C-G.
Other names: c.5239G>C, p.Val1747Leu (NM_002977.4); short protein forms V1747L, V1758L.
Identifiers: ClinVar variation 1319980 (VCV001319980.2), dbSNP rs1574692435, ClinGen allele CA349053819.

ClinVar aggregate classification (germline): Uncertain significance (1 of 4 stars; one submission).

Conditions:
Channelopathy-associated congenital insensitivity to pain, autosomal recessive. Also called: Insensitivity to pain, channelopathy-associated; ASYMBOLIA FOR PAIN; CONGENITAL ANALGESIA, AUTOSOMAL RECESSIVE. Identifiers: Orphanet 88642, Orphanet 970, MedGen C1855739, MONDO:0009459, OMIM 243000.

Submission:

Center for Human Genetics and Genomic Medicine, Uniklinik Rwth Aachen
Classification: Uncertain significance for Channelopathy-associated congenital insensitivity to pain, autosomal recessive. Last evaluated: 2021-10-13. Review status: criteria provided, single submitter. Criteria: ACMG Guidelines, 2015. Collection method: clinical testing. Allele origin: unknown. Affected: yes.
Comment: Mutations in SCN9A can cause autosomal recessive hereditary sensory and autonomic neuropathy type 2D (HSAN2D). The Val1747Leu variant is absent from gnomAD. It has not been reported in individuals with SCN9A-related conditions. Bioinformatics tools (SIFT, PolyPhen-2, Align-GVGD) predict a deleterious effect of the variant on protein structure and function but no functional studies have been conducted to confirm this. Therefore the Val1747Leu variant was classified as "Variant of Uncertain Significance" (ACMG-criteria).